The following is an entry in ClinVar:

NM_000202.8(IDS):c.1356C>G (p.Tyr452Ter)

Gene: IDS (iduronate 2-sulfatase; minus strand). Cytogenetic location: Xq28.
Variant type: single nucleotide variant.
Coding change: c.1356C>G on transcript NM_000202.8 (MANE Select); coding-DNA position 1356, C replaced by G.
Protein change: p.Tyr452Ter; replaces tyrosine 452 with a stop codon.
Molecular consequence: nonsense.
Genome position (GRCh38, 1-based): chrX:149,483,043, G>C on the plus strand (C>G on the coding strand, the complement: IDS is on the minus strand). VCF-style: chrX-149483043-G-C. GRCh37 (hg19) VCF-style: chrX-148564574-G-C.
Other names: c.1086C>G, p.Tyr362Ter (NM_001166550.4); short protein forms Y362*, Y452*.
Identifiers: ClinVar variation 3256034 (VCV003256034.2).
Genomic context (GRCh38, chrX:149,483,043, plus strand): 5'-GATGTCTGAAGGCCGGGGATACTGGCTATAGGCAATCAGTTCACGGGGATTACCAGGGAG[G>C]TACGGATCCTCTTCCAAGTCACGGAATCGAAAATGCTTCAGAAGGTTCTTGCCTTCTCTG-3'

ClinVar aggregate classification (germline): Pathogenic (1 of 4 stars; one submission).

Conditions:
Mucopolysaccharidosis, MPS-II (MPS2). Also called: Hunter Syndrome; IDURONATE 2-SULFATASE DEFICIENCY; Mucopolysaccharidosis Type II; Mucopolysaccharidosis type 2; Attenuated MPS (subtype; formerly known as mild MPS II); Severe MPS II. Identifiers: Orphanet 580, Orphanet 79388, MedGen C0026705, MONDO:0010674, OMIM 309900.

Submission:

Laboratory of Diagnosis and Therapy of Lysosomal Disorders, University of Padova
Classification: Pathogenic for Mucopolysaccharidosis, MPS-II. Last evaluated: 2024-06-07. Review status: criteria provided, single submitter. Criteria: ACMG Guidelines, 2015. Collection method: literature only. Allele origin: germline. Affected: yes. Observed: 1 variant allele.
Comment: Null variant (PVS1_Strong), Absent from controls (or at low frequency) in gnomAD database (PM2_Moderate), Patient’s phenotype or family history highly specific for the disease (PP4_Strong)

Classification method: ACMG Guidelines [PMID:25741868] with modifications

Literature cited by the submitters: PubMed 27146977.